The following is an entry in ClinVar:

NM_014244.5(ADAMTS2):c.487G>C (p.Gly163Arg)

Gene: ADAMTS2 (ADAM metallopeptidase with thrombospondin type 1 motif 2; minus strand). Cytogenetic location: 5q35.3.
Variant type: single nucleotide variant.
Coding change: c.487G>C on transcript NM_014244.5 (MANE Select); coding-DNA position 487, G replaced by C.
Protein change: p.Gly163Arg; replaces glycine 163 with arginine.
Molecular consequence: missense variant.
Genome position (GRCh38, 1-based): chr5:179,343,814, C>G on the plus strand (G>C on the coding strand, the complement: ADAMTS2 is on the minus strand). VCF-style: chr5-179343814-C-G. GRCh37 (hg19) VCF-style: chr5-178770815-C-G.
Other names: c.487G>C, p.Gly163Arg (NM_021599.4); short protein forms G163R.
Identifiers: ClinVar variation 1900053 (VCV001900053.2), dbSNP rs1415104162, ClinGen allele CA362622407.

ClinVar aggregate classification (germline): Uncertain significance (1 of 4 stars; one submission).

Conditions:
Ehlers-Danlos syndrome, dermatosparaxis type. Also called: EDS VIIC; Dermatosparaxis; Ehlers-Danlos syndrome, type VII, autosomal recessive. Identifiers: Orphanet 1901, MedGen C2700425, MONDO:0009161, OMIM 225410.

gnomAD v4.1: 7 of 1,610,930 alleles (0.00043%); highest among the groups gnomAD compares: South Asian, 0.0033%; no homozygotes.

Submission:

Labcorp Genetics (formerly Invitae), Labcorp
Classification: Uncertain significance for Ehlers-Danlos syndrome, dermatosparaxis type. Last evaluated: 2022-04-29. Review status: criteria provided, single submitter. Criteria: Invitae Variant Classification Sherloc (09022015). Collection method: clinical testing. Allele origin: germline.
Comment: This sequence change replaces glycine, which is neutral and non-polar, with arginine, which is basic and polar, at codon 163 of the ADAMTS2 protein (p.Gly163Arg). The frequency data for this variant in the population databases is considered unreliable, as metrics indicate poor data quality at this position in the gnomAD database. This variant has not been reported in the literature in individuals affected with ADAMTS2-related conditions. Algorithms developed to predict the effect of missense changes on protein structure and function are either unavailable or do not agree on the potential impact of this missense change (SIFT: "Deleterious"; PolyPhen-2: "Probably Damaging"; Align-GVGD: "Class C0"). In summary, the available evidence is currently insufficient to determine the role of this variant in disease. Therefore, it has been classified as a Variant of Uncertain Significance.